The following is an entry in ClinVar:

NM_024529.5(CDC73):c.-95G>A

Gene: CDC73 (cell division cycle 73; plus strand). Cytogenetic location: 1q31.2.
Variant type: single nucleotide variant.
Coding change: c.-95G>A on transcript NM_024529.5 (MANE Select); 95 bases upstream of the start codon, G replaced by A.
Molecular consequence: 5 prime UTR variant.
Genome position (GRCh38, 1-based): chr1:193,122,106, G>A. VCF-style: chr1-193122106-G-A. GRCh37 (hg19) VCF-style: chr1-193091236-G-A.
Identifiers: ClinVar variation 294408 (VCV000294408.6), dbSNP rs143969598, ClinGen allele CA10608624.

ClinVar aggregate classification (germline): Benign/Likely benign. Review status: criteria provided, multiple submitters, no conflicts (2 of 4 stars). 4 submissions from 2 submitters: Benign (2); Likely benign (2). Last evaluated 2023-07-07.

Conditions:
Parathyroid carcinoma (PRTC). Also called: Parathyroid gland carcinoma; CDC73-Related Parathyroid Carcinoma. Identifiers: Orphanet 143, MedGen C0687150, MONDO:0012004, OMIM 608266, HP:0006780.
Hyperparathyroidism 1 (HRPT1). Also called: HYPERPARATHYROIDISM, FAMILIAL ISOLATED PRIMARY. Identifiers: Orphanet 99879, MedGen C1840402, MONDO:0007767, OMIM 145000.
Hyperparathyroidism 2 with jaw tumors. Also called: Hyperparathyroidism 2; HYPERPARATHYROIDISM, FAMILIAL PRIMARY, WITH MULTIPLE OSSIFYING JAW FIBROMAS; HYPERPARATHYROIDISM-JAW TUMOR SYNDROME, HEREDITARY; Hyperparathyroidism-Jaw Tumor Syndrome. Identifiers: Orphanet 99880, MedGen C1704981, MONDO:0007768, OMIM 145001.

Allele frequency attached by ClinVar (database versions not stated): 1000 Genomes Project 30x 0.00047; 1000 Genomes Project 0.00060; gnomAD 0.00129 and 0.00133; TOPMed 0.00157; gnomAD exomes 0.00172.
gnomAD v4.1: 2,006 of 1,211,200 alleles (0.17%); highest among the groups gnomAD compares: Non-Finnish European, 0.21%; 4 homozygotes.

Submissions (4):

KCCC/NGS Laboratory, Kuwait Cancer Control Center
Classification: Likely benign for Hyperparathyroidism 2 with jaw tumors. Last evaluated: 2023-07-07. Review status: criteria provided, single submitter. Criteria: ACMG Guidelines, 2015. Collection method: clinical testing. Allele origin: germline. Affected: yes.

Illumina Laboratory Services, Illumina
Classification: Benign for Hyperparathyroidism 2 with jaw tumors. Last evaluated: 2018-01-13. Review status: criteria provided, single submitter. Criteria: ICSL Variant Classification Criteria 13 December 2019. Collection method: clinical testing. Allele origin: germline.
Comment: This variant was observed in the ICSL laboratory as part of a predisposition screen in an ostensibly healthy population. It had not been previously curated by ICSL or reported in the Human Gene Mutation Database (HGMD: prior to June 1st, 2018), and was therefore a candidate for classification through an automated scoring system. Utilizing variant allele frequency, disease prevalence and penetrance estimates, and inheritance mode, an automated score was calculated to assess if this variant is too frequent to cause the disease. Based on the score and internal cut-off values, a variant classified as benign is not then subjected to further curation. The score for this variant resulted in a classification of benign for this disease.

Illumina Laboratory Services, Illumina
Classification: Likely benign for Hyperparathyroidism 1. Last evaluated: 2018-01-13. Review status: criteria provided, single submitter. Criteria: ICSL Variant Classification Criteria 13 December 2019. Collection method: clinical testing. Allele origin: germline.
Comment: This variant was observed in the ICSL laboratory as part of a predisposition screen in an ostensibly healthy population. It had not been previously curated by ICSL or reported in the Human Gene Mutation Database (HGMD: prior to June 1st, 2018), and was therefore a candidate for classification through an automated scoring system. Utilizing variant allele frequency, disease prevalence and penetrance estimates, and inheritance mode, an automated score was calculated to assess if this variant is too frequent to cause the disease. Based on the score and internal cut-off values, a variant classified as likely benign is not then subjected to further curation. The score for this variant resulted in a classification of likely benign for this disease.

Illumina Laboratory Services, Illumina
Classification: Benign for Parathyroid carcinoma. Last evaluated: 2018-01-13. Review status: criteria provided, single submitter. Criteria: ICSL Variant Classification Criteria 13 December 2019. Collection method: clinical testing. Allele origin: germline.
Comment: the same text as in the submission from Illumina Laboratory Services, Illumina above.